The following is an entry in ClinVar:

ClinVar aggregate classification (germline): Uncertain significance (1 of 4 stars; one submission).

Conditions:
Hereditary cancer-predisposing syndrome. Also called: Hereditary Cancer Syndrome; Hereditary neoplastic syndrome; Neoplastic Syndromes, Hereditary; Tumor predisposition. Identifiers: Orphanet 140162, MedGen C0027672, MeSH D009386, MONDO:0015356.

Submission:

Ambry Genetics
Classification: Uncertain significance for Hereditary cancer-predisposing syndrome. Last evaluated: 2022-06-16. Review status: criteria provided, single submitter. Criteria: Ambry Variant Classification Scheme 2023. Collection method: clinical testing. Allele origin: germline.
Comment: The p.L1465V variant (also known as c.4393C>G), located in coding exon 28 of the ATM gene, results from a C to G substitution at nucleotide position 4393. The leucine at codon 1465 is replaced by valine, an amino acid with highly similar properties. This amino acid position is highly conserved in available vertebrate species. In addition, the in silico prediction for this alteration is inconclusive. Since supporting evidence is limited at this time, the clinical significance of this alteration remains unclear.

NM_000051.4(ATM):c.4393C>G (p.Leu1465Val)

Gene: ATM (ATM serine/threonine kinase; plus strand). Cytogenetic location: 11q22.3.
Variant type: single nucleotide variant.
Coding change: c.4393C>G on transcript NM_000051.4 (MANE Select); coding-DNA position 4393, C replaced by G.
Protein change: p.Leu1465Val; replaces leucine 1465 with valine.
Molecular consequence: missense variant.
Genome position (GRCh38, 1-based): chr11:108,289,758, C>G. VCF-style: chr11-108289758-C-G. GRCh37 (hg19) VCF-style: chr11-108160485-C-G.
Other names: c.4393C>G, p.Leu1465Val (NM_001351834.2); short protein forms L1465V.
Identifiers: ClinVar variation 1740243 (VCV001740243.2), dbSNP rs2135765360, ClinGen allele CA382532187.